The following is an entry in ClinVar:

NC_000002.11:g.(?_228162380)_(228163538_?)del

Gene: COL4A3 (collagen type IV alpha 3 chain; plus strand). Cytogenetic location: 2q36.3.
Variant type: Deletion.
Identifiers: ClinVar variation 1459525 (VCV001459525.6).

ClinVar aggregate classification (germline): Pathogenic (1 of 4 stars; one submission).

Submission:

Labcorp Genetics (formerly Invitae), Labcorp
Classification: Pathogenic. Last evaluated: 2021-01-20. Review status: criteria provided, single submitter. Criteria: Invitae Variant Classification Sherloc (09022015). Collection method: clinical testing. Allele origin: germline.
Comment: For these reasons, this variant has been classified as Pathogenic. This variant has not been reported in the literature in individuals with COL4A3-related conditions. This variant is a gross deletion of the genomic region encompassing exon(s) 42-43 of the COL4A3 gene. This deletion is out-of-frame, and is expected to create a premature translational stop signal and result in an absent or disrupted protein product. Loss-of-function variants in COL4A3 are known to be pathogenic (PMID: 8956999, 24854265, 26809805, 27281700).

Literature cited by the submitters: PubMed 8956999; PubMed 24854265; PubMed 26809805; PubMed 27281700.